The following is an entry in ClinVar:

NM_006206.6(PDGFRA):c.850G>A (p.Asp284Asn)

Gene: PDGFRA (platelet derived growth factor receptor alpha; plus strand). Cytogenetic location: 4q12.
Variant type: single nucleotide variant.
Coding change: c.850G>A on transcript NM_006206.6 (MANE Select); coding-DNA position 850, G replaced by A.
Protein change: p.Asp284Asn; replaces aspartic acid 284 with asparagine.
Molecular consequence: missense variant.
Genome position (GRCh38, 1-based): chr4:54,267,379, G>A. VCF-style: chr4-54267379-G-A. GRCh37 (hg19) VCF-style: chr4-55133546-G-A.
Other names: c.850G>A, p.Asp284Asn (NM_001347827.2, NM_001347829.2); c.925G>A, p.Asp309Asn (NM_001347828.2); c.889G>A, p.Asp297Asn (NM_001347830.2); short protein forms D309N, D284N, D297N.
Identifiers: ClinVar variation 2890246 (VCV002890246.3), dbSNP rs2475453649, ClinGen allele CA356891238.

ClinVar aggregate classification (germline): Uncertain significance (1 of 4 stars; one submission).

Conditions:
Gastrointestinal stromal tumor. Also called: Gastrointestinal stromal tumor, somatic; Gastrointestinal stroma tumor. Identifiers: Orphanet 44890, MedGen C0238198, MeSH D046152, MONDO:0011719, OMIM 606764, HP:0100723.

Submission:

Labcorp Genetics (formerly Invitae), Labcorp
Classification: Uncertain significance for Gastrointestinal stromal tumor. Last evaluated: 2023-10-29. Review status: criteria provided, single submitter. Criteria: Invitae Variant Classification Sherloc (09022015). Collection method: clinical testing. Allele origin: germline.
Comment: This sequence change replaces aspartic acid, which is acidic and polar, with asparagine, which is neutral and polar, at codon 284 of the PDGFRA protein (p.Asp284Asn). This variant is not present in population databases (gnomAD no frequency). This variant has not been reported in the literature in individuals affected with PDGFRA-related conditions. Advanced modeling of protein sequence and biophysical properties (such as structural, functional, and spatial information, amino acid conservation, physicochemical variation, residue mobility, and thermodynamic stability) performed at Invitae indicates that this missense variant is not expected to disrupt PDGFRA protein function with a negative predictive value of 80%. In summary, the available evidence is currently insufficient to determine the role of this variant in disease. Therefore, it has been classified as a Variant of Uncertain Significance.